The following is an entry in ClinVar:

ClinVar aggregate classification (germline): Uncertain significance. Review status: criteria provided, multiple submitters, no conflicts (2 of 4 stars). 2 submissions from 2 submitters: Uncertain significance (2). Last evaluated 2024-09-27.

Conditions:
Inborn genetic diseases. Identifiers: MedGen C0950123, MeSH D030342.

Allele frequency attached by ClinVar (database versions not stated): gnomAD exomes below 0.00001.
gnomAD v4.1: 2 of 1,614,168 alleles (0.00012%); highest among the groups gnomAD compares: South Asian, 0.0011%; no homozygotes.

Submissions (2):

Ambry Genetics
Classification: Uncertain significance for Inborn genetic diseases. Last evaluated: 2024-09-27. Review status: criteria provided, single submitter. Criteria: Ambry Variant Classification Scheme 2023. Collection method: clinical testing. Allele origin: germline.
Comment: The p.V964M variant (also known as c.2890G>A), located in coding exon 14 of the ATR gene, results from a G to A substitution at nucleotide position 2890. The valine at codon 964 is replaced by methionine, an amino acid with highly similar properties. This amino acid position is conserved. In addition, this alteration is predicted to be tolerated by in silico analysis. Since supporting evidence is limited at this time, the clinical significance of this alteration remains unclear.

Labcorp Genetics (formerly Invitae), Labcorp
Classification: Uncertain significance. Last evaluated: 2024-01-14. Review status: criteria provided, single submitter. Criteria: Invitae Variant Classification Sherloc (09022015). Collection method: clinical testing. Allele origin: germline.
Comment: This sequence change replaces valine, which is neutral and non-polar, with methionine, which is neutral and non-polar, at codon 964 of the ATR protein (p.Val964Met). This variant is not present in population databases (gnomAD no frequency). This variant has not been reported in the literature in individuals affected with ATR-related conditions. ClinVar contains an entry for this variant (Variation ID: 1797307). Algorithms developed to predict the effect of missense changes on protein structure and function output the following: SIFT: "Not Available"; PolyPhen-2: "Benign"; Align-GVGD: "Not Available". The methionine amino acid residue is found in multiple mammalian species, which suggests that this missense change does not adversely affect protein function. In summary, the available evidence is currently insufficient to determine the role of this variant in disease. Therefore, it has been classified as a Variant of Uncertain Significance.

NM_001184.4(ATR):c.2890G>A (p.Val964Met)

Gene: ATR (ATR checkpoint kinase; minus strand). Cytogenetic location: 3q23.
Variant type: single nucleotide variant.
Coding change: c.2890G>A on transcript NM_001184.4 (MANE Select); coding-DNA position 2890, G replaced by A.
Protein change: p.Val964Met; replaces valine 964 with methionine.
Molecular consequence: missense variant.
Genome position (GRCh38, 1-based): chr3:142,550,218, C>T on the plus strand (G>A on the coding strand, the complement: ATR is on the minus strand). VCF-style: chr3-142550218-C-T. GRCh37 (hg19) VCF-style: chr3-142269060-C-T.
Other names: c.2698G>A, p.Val900Met (NM_001354579.2); short protein forms V964M, V900M.
Identifiers: ClinVar variation 1797307 (VCV001797307.6), dbSNP rs2473366987, ClinGen allele CA354812829.